The following is an entry in ClinVar:

ClinVar aggregate classification (germline): Benign/Likely benign. Review status: criteria provided, multiple submitters, no conflicts (2 of 4 stars). 4 submissions from 4 submitters: Benign (2); Likely benign (2). Last evaluated 2026-06-01.

Allele frequency attached by ClinVar (database versions not stated): 1000 Genomes Project 0.00040; 1000 Genomes Project 30x 0.00047; ExAC 0.00096; ESP Exome Variant Server 0.00100; TOPMed 0.00115; gnomAD exomes 0.00116 and 0.00181; gnomAD 0.00118 and 0.00125.
gnomAD v4.1: 2,846 of 1,613,330 alleles (0.18%); highest among the groups gnomAD compares: Non-Finnish European, 0.22%; 8 homozygotes.

Submissions (4):

CeGaT Center for Human Genetics Tuebingen
Classification: Likely benign. Last evaluated: 2026-06-01. Review status: criteria provided, single submitter. Criteria: CeGaT Center For Human Genetics Tuebingen Variant Classification Criteria Version 2. Collection method: clinical testing. Allele origin: germline. Affected: yes. Observed: 14 variant alleles.
Comment: SCN3A: BS1

Labcorp Genetics (formerly Invitae), Labcorp
Classification: Benign. Last evaluated: 2026-02-03. Review status: criteria provided, single submitter. Criteria: Invitae Variant Classification Sherloc (09022015). Collection method: clinical testing. Allele origin: germline.

ARUP Laboratories, Molecular Genetics and Genomics, ARUP Laboratories
Classification: Benign. Last evaluated: 2025-03-06. Review status: criteria provided, single submitter. Criteria: ARUP Molecular Germline Variant Investigation Process 2024. Collection method: clinical testing. Allele origin: germline.

Blueprint Genetics
Classification: Likely benign. Last evaluated: 2024-10-07. Review status: criteria provided, single submitter. Criteria: ACMG Guidelines, 2015. Collection method: clinical testing. Allele origin: germline.

NM_006922.4(SCN3A):c.1380+12T>C

Gene: SCN3A (sodium voltage-gated channel alpha subunit 3; minus strand). Cytogenetic location: 2q24.3.
Variant type: single nucleotide variant.
Coding change: c.1380+12T>C on transcript NM_006922.4 (MANE Select); 12 bases into the intron after coding-DNA position 1380, T replaced by C.
Molecular consequence: intron variant.
Genome position (GRCh38, 1-based): chr2:165,154,440, A>G on the plus strand (T>C on the coding strand, the complement: SCN3A is on the minus strand). VCF-style: chr2-165154440-A-G. GRCh37 (hg19) VCF-style: chr2-166010950-A-G.
Other names: c.1380+12T>C (NM_001081676.2, NM_001081677.2).
Identifiers: ClinVar variation 1557275 (VCV001557275.39), dbSNP rs146105464, ClinGen allele CA1939186.